The following is an entry in ClinVar:

ClinVar aggregate classification (germline): Uncertain significance (1 of 4 stars; one submission).

Submission:

Ambry Genetics
Classification: Uncertain significance. Last evaluated: 2025-09-04. Review status: criteria provided, single submitter. Criteria: Ambry Variant Classification Scheme 2023. Collection method: clinical testing. Allele origin: germline.
Comment: The p.V802I variant (also known as c.2404G>A), located in coding exon 1 of the TET2 gene, results from a G to A substitution at nucleotide position 2404. The valine at codon 802 is replaced by isoleucine, an amino acid with highly similar properties. This amino acid position is conserved. In addition, this alteration is predicted to be tolerated by in silico analysis. Based on the available evidence, the clinical significance of this variant remains unclear.

NM_001127208.3(TET2):c.2404G>A (p.Val802Ile)

Genes: TET2 (tet methylcytosine dioxygenase 2; plus strand), TET2-AS1 (TET2 antisense RNA 1; minus strand). Cytogenetic location: 4q24.
Variant type: single nucleotide variant.
Coding change: c.2404G>A on transcript NM_001127208.3 (MANE Select); coding-DNA position 2404, G replaced by A.
Protein change: p.Val802Ile; replaces valine 802 with isoleucine.
Molecular consequence: missense variant.
Genome position (GRCh38, 1-based): chr4:105,236,346, G>A. VCF-style: chr4-105236346-G-A. GRCh37 (hg19) VCF-style: chr4-106157503-G-A.
Other names: c.2404G>A, p.Val802Ile (NM_017628.4); short protein forms V802I.
Identifiers: ClinVar variation 4183057 (VCV004183057.1).
Genomic context (GRCh38, chr4:105,236,346, plus strand): 5'-GAAGAATGTTTTCATGGTGAAAATCAGTATTCAAAATCAAGCGAGTTCGAGACTCATAAT[G>A]TCCAAATGGGACTGGAGGAAGTACAGAATATAAATCGTAGAAATTCCCCTTATAGTCAGA-3'
Protein context (NP_001120680.1, residues 792-812): SKSSEFETHN[Val802Ile]QMGLEEVQNI